The following is an entry in ClinVar:

ClinVar aggregate classification (germline): Likely pathogenic (1 of 4 stars; one submission).

Conditions:
Mitochondrial complex I deficiency. Also called: NADH:Q(1) OXIDOREDUCTASE DEFICIENCY. Identifiers: Orphanet 2609, MedGen C1838979, MeSH C537475, MONDO:0100133.

Submission:

Natera, Inc.
Classification: Likely pathogenic for Mitochondrial complex I deficiency. Last evaluated: 2024-07-23. Review status: criteria provided, single submitter. Criteria: Natera Variant Classification Schema (03/2026). Collection method: clinical testing. Allele origin: germline.
Comment: The c.394_395del variant in NDUFAF5 is a frameshift variant predicted to shift the reading frame beginning at codon 132 and leads to a stop codon 9 codons downstream. This variant is expected to result in nonsense mediated decay, truncation, or a dysfunctional protein product. This variant is rare in the general population with a frequency below the threshold expected for the associated phenotype(s). Given the available evidence, this variant is classified as Likely Pathogenic.

NM_024120.5(NDUFAF5):c.394_395del (p.Glu132fs)

Gene: NDUFAF5 (NADH:ubiquinone oxidoreductase complex assembly factor 5; plus strand). Cytogenetic location: 20p12.1.
Variant type: Deletion.
Coding change: c.394_395del on transcript NM_024120.5 (MANE Select); coding-DNA positions 394 to 395, 2 bases deleted (GA; older notation c.394_395delGA).
Protein change: p.Glu132fs; shifts the reading frame from glutamic acid 132.
Molecular consequence: frameshift variant. On other transcripts: 5 prime UTR variant (2), non-coding transcript variant (5), intron variant (2).
Genome position (GRCh38, 1-based): chr20:13,794,856-13,794,857, GA deleted; deleting any 2 consecutive bases within chr20:13,794,855-13,794,857 gives the same sequence; the c. name uses the placement nearest the transcript's 3' end. VCF-style (leftmost placement, unchanged base first): chr20-13794854-CAG-C. GRCh37 (hg19) VCF-style: chr20-13775500-CAG-C.
Other names: c.-168_-167del (NM_001352406.2, NM_001352407.2); c.394_395del, p.Glu132fs (NM_001352408.2); c.395+1629_395+1630del (NM_001039375.3); c.8+1629_8+1630del (NM_001352403.2); short protein forms E132fs.
Identifiers: ClinVar variation 4816123 (VCV004816123.1).
Genomic context (GRCh38, chr20:13,794,854, plus strand): 5'-TTCTACATAAATGTGATTTTGATCTTTCGTTTTCTTAACATTAGAAAAATTCCTCAGAAA[CAG>C]AAATACCTACTGTCAGCGTTTTAGCTGATGAAGAATTCCTTCCCTTCAAAGAAAATACAT-3'